The following is an entry in ClinVar:

NM_015294.6(TRIM37):c.2632A>C (p.Asn878His)

Gene: TRIM37 (tripartite motif containing 37; minus strand). Cytogenetic location: 17q22.
Variant type: single nucleotide variant.
Coding change: c.2632A>C on transcript NM_015294.6 (MANE Select); coding-DNA position 2632, A replaced by C.
Protein change: p.Asn878His; replaces asparagine 878 with histidine.
Molecular consequence: missense variant. On other transcripts: non-coding transcript variant (2).
Genome position (GRCh38, 1-based): chr17:59,012,391, T>G on the plus strand (A>C on the coding strand, the complement: TRIM37 is on the minus strand). VCF-style: chr17-59012391-T-G. GRCh37 (hg19) VCF-style: chr17-57089752-T-G.
Other names: c.2581A>C, p.Asn861His (NM_001353086.2); c.2266A>C, p.Asn756His (NM_001320990.3); c.2530A>C, p.Asn844His (NM_001353082.2, NM_001320987.3); c.1897A>C, p.Asn633His (NM_001353083.2); c.2632A>C, p.Asn878His (NM_001353084.2, NM_001005207.5, NM_001320988.3 and 1 more transcripts); c.2170A>C, p.Asn724His (NM_001353085.2); short protein forms N633H, N724H, N756H, N844H, N861H, N878H.
Identifiers: ClinVar variation 5038372 (VCV005038372.1).

ClinVar aggregate classification (germline): Uncertain significance (1 of 4 stars; one submission).

Conditions:
Mulibrey nanism syndrome. Also called: MUSCLE-LIVER-BRAIN-EYE NANISM; PERHEENTUPA SYNDROME; PERICARDIAL CONSTRICTION AND GROWTH FAILURE. Identifiers: Orphanet 2576, MedGen C0524582, MONDO:0009664, OMIM 253250.

Submission:

St. Jude Molecular Pathology, St. Jude Children's Research Hospital
Classification: Uncertain significance for Mulibrey nanism syndrome. Last evaluated: 2026-10-01. Review status: criteria provided, single submitter. Criteria: St. Jude Assertion Criteria 2020. Collection method: clinical testing. Allele origin: germline.
Comment: The TRIM37 c.2632A>C p.(Asn878His) missense change is absen t in gnomAD v2.1.1. The in silico tool REVEL predicts a benign effect on protein function, but to our knowledge this prediction has not been confirmed by functional studies. To our knowledge, this variant has not been reported in individuals with Mulibrey nanism. In summary, the evidence currently available is insufficient to determine the clinical significance of this variant. It has therefore been classified as of uncertain significance.